The following is an entry in ClinVar:

ClinVar aggregate classification (germline): Uncertain significance (1 of 4 stars; one submission).

Submission:

Women's Health and Genetics/Laboratory Corporation of America, LabCorp
Classification: Uncertain significance. Last evaluated: 2026-06-26. Review status: criteria provided, single submitter. Criteria: LabCorp Variant Classification Summary - May 2015. Collection method: clinical testing. Allele origin: germline.
Comment: Variant summary: CDH15 c.65T>C (p.Val22Ala) results in a non-conservative amino acid change in the encoded protein sequence. Algorithms developed to predict the effect of missense changes on protein structure and function are either unavailable or do not agree on the potential impact of this missense change. The variant was absent in 250182 control chromosomes. The available data on variant occurrences in the general population are insufficient to allow any conclusion about variant significance. To our knowledge, no occurrence of c.65T>C in individuals affected with CDH15-related conditions and no experimental evidence demonstrating its impact on protein function have been reported. No submitters have cited clinical-significance assessments for this variant to ClinVar. Based on the evidence outlined above, the variant was classified as uncertain significance.

NM_004933.3(CDH15):c.65T>C (p.Val22Ala)

Gene: CDH15 (cadherin 15; plus strand). Cytogenetic location: 16q24.3.
Variant type: single nucleotide variant.
Coding change: c.65T>C on transcript NM_004933.3 (MANE Select); coding-DNA position 65, T replaced by C.
Protein change: p.Val22Ala; replaces valine 22 with alanine.
Molecular consequence: missense variant.
Genome position (GRCh38, 1-based): chr16:89,179,438, T>C. VCF-style: chr16-89179438-T-C. GRCh37 (hg19) VCF-style: chr16-89245846-T-C.
Other names: short protein forms V22A.
Identifiers: ClinVar variation 4887642 (VCV004887642.1).
Genomic context (GRCh38, chr16:89,179,438, plus strand): 5'-GGAGACGGTACTGTGGGACGCATCTGTCTTTGTTGCAGAGCCTCTGCCTGTCTTTGGGGG[T>C]TCCTGGATGGAGGAGGCCCACCACCCTGTACCCCTGGCGCCGGGCGCCTGCCCTGAGCCG-3'
Protein context (NP_004924.1, residues 12-32): LAQSLCLSLG[Val22Ala]PGWRRPTTLY